The following is an entry in ClinVar:

ClinVar aggregate classification (germline): Conflicting classifications of pathogenicity. Review status: criteria provided, conflicting classifications (1 of 4 stars). 2 submissions from 2 submitters: Uncertain significance (1); Likely benign (1). Last evaluated 2026-07-30.

Conditions:
Renal cell carcinoma. Identifiers: Orphanet 217071, MedGen C0007134, MeSH D002292, MONDO:0005086, HP:0005584.
Hereditary cancer-predisposing syndrome. Also called: Hereditary Cancer Syndrome; Tumor predisposition; Neoplastic Syndromes, Hereditary; Hereditary neoplastic syndrome. Identifiers: Orphanet 140162, MedGen C0027672, MeSH D009386, MONDO:0015356.

Allele frequency attached by ClinVar (database versions not stated): TOPMed below 0.00001; ExAC 0.00002.
gnomAD v4.1: 7 of 1,614,026 alleles (0.00043%); highest among the groups gnomAD compares: Non-Finnish European, 0.00051%; no homozygotes.

Submissions (2):

Ambry Genetics
Classification: Likely benign for Hereditary cancer-predisposing syndrome. Last evaluated: 2026-07-30. Review status: criteria provided, single submitter. Criteria: Ambry Variant Classification Scheme 2023. Collection method: clinical testing. Allele origin: germline.

Labcorp Genetics (formerly Invitae), Labcorp
Classification: Uncertain significance for Renal cell carcinoma. Last evaluated: 2025-08-06. Review status: criteria provided, single submitter. Criteria: Invitae Variant Classification Sherloc (09022015). Collection method: clinical testing. Allele origin: germline.
Comment: This sequence change replaces histidine, which is basic and polar, with arginine, which is basic and polar, at codon 60 of the MET protein (p.His60Arg). This variant is present in population databases (rs776426414, gnomAD 0.003%). This variant has not been reported in the literature in individuals affected with MET-related conditions. ClinVar contains an entry for this variant (Variation ID: 1505991). Invitae Evidence Modeling of protein sequence and biophysical properties (such as structural, functional, and spatial information, amino acid conservation, physicochemical variation, residue mobility, and thermodynamic stability) indicates that this missense variant is not expected to disrupt MET protein function with a negative predictive value of 80%. In summary, the available evidence is currently insufficient to determine the role of this variant in disease. Therefore, it has been classified as a Variant of Uncertain Significance.

NM_000245.4(MET):c.179A>G (p.His60Arg)

Gene: MET (MET proto-oncogene, receptor tyrosine kinase; plus strand). Cytogenetic location: 7q31.2.
Variant type: single nucleotide variant.
Coding change: c.179A>G on transcript NM_000245.4 (MANE Select); coding-DNA position 179, A replaced by G.
Protein change: p.His60Arg; replaces histidine 60 with arginine.
Molecular consequence: missense variant. On other transcripts: intron variant (1).
Genome position (GRCh38, 1-based): chr7:116,699,263, A>G. VCF-style: chr7-116699263-A-G. GRCh37 (hg19) VCF-style: chr7-116339317-A-G.
Other names: c.179A>G, p.His60Arg (NM_001127500.3, NM_001324401.3); c.-91+26686A>G (NM_001324402.2); short protein forms H60R.
Identifiers: ClinVar variation 1505991 (VCV001505991.11), dbSNP rs776426414, ClinGen allele CA4447953.